The following is an entry in ClinVar:

ClinVar aggregate classification (germline): Uncertain significance (1 of 4 stars; one submission).

Conditions:
Hereditary cancer-predisposing syndrome. Also called: Hereditary Cancer Syndrome; Hereditary neoplastic syndrome; Neoplastic Syndromes, Hereditary; Tumor predisposition. Identifiers: Orphanet 140162, MedGen C0027672, MeSH D009386, MONDO:0015356.

Submission:

Ambry Genetics
Classification: Uncertain significance for Hereditary cancer-predisposing syndrome. Last evaluated: 2021-01-25. Review status: criteria provided, single submitter. Criteria: Ambry Variant Classification Scheme 2023. Collection method: clinical testing. Allele origin: germline.
Comment: The p.P209A variant (also known as c.625C>G), located in coding exon 8 of the BRCA1 gene, results from a C to G substitution at nucleotide position 625. The proline at codon 209 is replaced by alanine, an amino acid with highly similar properties. This amino acid position is not well conserved in available vertebrate species. In addition, the in silico prediction for this alteration is inconclusive. Since supporting evidence is limited at this time, the clinical significance of this alteration remains unclear.

NM_007294.4(BRCA1):c.625C>G (p.Pro209Ala)

Gene: BRCA1 (BRCA1 DNA repair associated; minus strand). Cytogenetic location: 17q21.31.
Variant type: single nucleotide variant.
Coding change: c.625C>G on transcript NM_007294.4 (MANE Select); coding-DNA position 625, C replaced by G.
Protein change: p.Pro209Ala; replaces proline 209 with alanine.
Molecular consequence: missense variant. On other transcripts: non-coding transcript variant (1).
Genome position (GRCh38, 1-based): chr17:43,095,891, G>C on the plus strand (C>G on the coding strand, the complement: BRCA1 is on the minus strand). VCF-style: chr17-43095891-G-C. GRCh37 (hg19) VCF-style: chr17-41247908-G-C.
Other names: c.412C>G, p.Pro138Ala (NM_001407571.1, NM_001407853.1, NM_001407894.1 and 12 more transcripts); c.625C>G, p.Pro209Ala (NM_001407581.1, NM_001407582.1, NM_001407583.1 and 59 more transcripts); c.622C>G, p.Pro208Ala (NM_001407587.1, NM_001407590.1, NM_001407591.1 and 41 more transcripts); c.616C>G, p.Pro206Ala (NM_001407646.1, NM_001407647.1, NM_001408408.1); c.547C>G, p.Pro183Ala (NM_001407653.1, NM_001407654.1, NM_001407655.1 and 9 more transcripts); c.544C>G, p.Pro182Ala (NM_001407659.1, NM_001407660.1, NM_001407661.1 and 3 more transcripts); c.484C>G, p.Pro162Ala (NM_001407692.1, NM_001407694.1, NM_001407695.1 and 43 more transcripts); c.481C>G, p.Pro161Ala (NM_001407740.1, NM_001407741.1, NM_001407742.1 and 26 more transcripts); and 4 more; short protein forms P161A, P182A, P183A, P208A, P82A, P162A, P209A, P138A.
Identifiers: ClinVar variation 1752484 (VCV001752484.2), dbSNP rs730881466, ClinGen allele CA10600853.